The following is an entry in ClinVar:

NM_005120.3(MED12):c.3665C>G (p.Ala1222Gly)

Gene: MED12 (mediator complex subunit 12; plus strand). Cytogenetic location: Xq13.1.
Variant type: single nucleotide variant.
Coding change: c.3665C>G on transcript NM_005120.3 (MANE Select); coding-DNA position 3665, C replaced by G.
Protein change: p.Ala1222Gly; replaces alanine 1222 with glycine.
Molecular consequence: missense variant.
Genome position (GRCh38, 1-based): chrX:71,129,403, C>G. VCF-style: chrX-71129403-C-G. GRCh37 (hg19) VCF-style: chrX-70349253-C-G.
Other names: NM_005120.3(MED12):c.3665C>G; p.Ala1222Gly; short protein forms A1222G.
Identifiers: ClinVar variation 1733716 (VCV001733716.3), dbSNP rs2147806039, ClinGen allele CA413520403.

ClinVar aggregate classification (germline): Uncertain significance. Review status: criteria provided, multiple submitters, no conflicts (2 of 4 stars). 2 submissions from 2 submitters: Uncertain significance (2). Last evaluated 2025-06-27.

Conditions:
MED12-related intellectual disability syndrome. Identifiers: MedGen CN305246, MONDO:0100000.
Familial thoracic aortic aneurysm and aortic dissection (TAAD). Also called: Thoracic aortic aneurysms and dissections. Identifiers: Orphanet 91387, MedGen C4707243, MONDO:0019625.

Submissions (2):

Broad Center for Mendelian Genomics, Broad Institute of MIT and Harvard
Classification: Uncertain significance for MED12-related intellectual disability syndrome. Last evaluated: 2025-06-27. Review status: criteria provided, single submitter. Criteria: ACMG Guidelines, 2015. Collection method: curation. Allele origin: germline. Inheritance: X-linked inheritance. Study: GREGoR Consortium.
Comment: The variant has not been previously reported in the literature in individuals with MED12-related intellectual disability syndrome and was absent from large population studies. This variant has been reported in ClinVar (Variation ID: 1733716) and has been interpreted as a variant of uncertain significance by Ambry Genetics. Computational prediction tools and conservation analyses do not provide strong support for or against an impact to the protein. The number of missense variants reported in MED12 in the general population is lower than expected, suggesting there is little benign variation in this gene and slightly increasing the possibility that a missense variant in this gene may not be tolerated. In summary, the clinical significance of the p.Ala1222Gly variant is uncertain. ACMG/AMP Criteria applied: PP2, PM2_supporting (Richards 2015).

Ambry Genetics
Classification: Uncertain significance for Familial thoracic aortic aneurysm and aortic dissection. Last evaluated: 2021-11-22. Review status: criteria provided, single submitter. Criteria: Ambry Variant Classification Scheme 2023. Collection method: clinical testing. Allele origin: germline.
Comment: The p.A1222G variant (also known as c.3665C>G), located in coding exon 26 of the MED12 gene, results from a C to G substitution at nucleotide position 3665. The alanine at codon 1222 is replaced by glycine, an amino acid with similar properties. This amino acid position is conserved. In addition, the in silico prediction for this alteration is inconclusive. Since supporting evidence is limited at this time, the clinical significance of this alteration remains unclear.